The following is an entry in ClinVar:

ClinVar aggregate classification (germline): Uncertain significance (1 of 4 stars; one submission).

gnomAD v4.1: 12 of 1,156,504 alleles (0.001%); highest among the groups gnomAD compares: Non-Finnish European, 0.0014%; no homozygotes.

Submission:

Labcorp Genetics (formerly Invitae), Labcorp
Classification: Uncertain significance. Last evaluated: 2022-02-04. Review status: criteria provided, single submitter. Criteria: Invitae Variant Classification Sherloc (09022015). Collection method: clinical testing. Allele origin: germline.
Comment: This sequence change replaces lysine, which is basic and polar, with arginine, which is basic and polar, at codon 103 of the FRMD7 protein (p.Lys103Arg). This variant is not present in population databases (gnomAD no frequency). This variant has not been reported in the literature in individuals affected with FRMD7-related conditions. ClinVar contains an entry for this variant (Variation ID: 956743). Algorithms developed to predict the effect of missense changes on protein structure and function are either unavailable or do not agree on the potential impact of this missense change (SIFT: "Deleterious"; PolyPhen-2: "Benign"; Align-GVGD: "Class C25"). Algorithms developed to predict the effect of sequence changes on RNA splicing suggest that this variant may create or strengthen a splice site. In summary, the available evidence is currently insufficient to determine the role of this variant in disease. Therefore, it has been classified as a Variant of Uncertain Significance.

NM_194277.3(FRMD7):c.308A>G (p.Lys103Arg)

Gene: FRMD7 (FERM domain containing 7; minus strand). Cytogenetic location: Xq26.2.
Variant type: single nucleotide variant.
Coding change: c.308A>G on transcript NM_194277.3 (MANE Select); coding-DNA position 308, A replaced by G.
Protein change: p.Lys103Arg; replaces lysine 103 with arginine.
Molecular consequence: missense variant.
Genome position (GRCh38, 1-based): chrX:132,094,116, T>C on the plus strand (A>G on the coding strand, the complement: FRMD7 is on the minus strand). VCF-style: chrX-132094116-T-C. GRCh37 (hg19) VCF-style: chrX-131228144-T-C.
Other names: c.263A>G, p.Lys88Arg (NM_001306193.2); short protein forms K103R, K88R.
Identifiers: ClinVar variation 956743 (VCV000956743.9), dbSNP rs759784671, ClinGen allele CA335858637.